The following is an entry in ClinVar:

NM_003718.5(CDK13):c.482G>T (p.Gly161Val)

Genes: CDK13 (cyclin dependent kinase 13; plus strand), LOC129998292 (ATAC-STARR-seq lymphoblastoid silent region 18115; plus strand). Cytogenetic location: 7p14.1.
Variant type: single nucleotide variant.
Coding change: c.482G>T on transcript NM_003718.5 (MANE Select); coding-DNA position 482, G replaced by T.
Protein change: p.Gly161Val; replaces glycine 161 with valine.
Molecular consequence: missense variant.
Genome position (GRCh38, 1-based): chr7:39,951,123, G>T. VCF-style: chr7-39951123-G-T. GRCh37 (hg19) VCF-style: chr7-39990722-G-T.
Other names: c.482G>T, p.Gly161Val (NM_031267.4); c.482G>T (NM_003718.4); short protein forms G161V.
Identifiers: ClinVar variation 2171021 (VCV002171021.7), dbSNP rs902803165, ClinGen allele CA157707165.
Genomic context (GRCh38, chr7:39,951,123, plus strand): 5'-CCCCGCTGGTGGAATACGAGGATGTGAGCTCCCAGTCCGAGCAGGGGCTGCTGCTGGGGG[G>T]GGCCAGCGCGGCAACGGCGGCGACGGCTGCCGGGGGAACGGGGGGCAGCGGCGGGAGTCC-3'
Protein context (NP_003709.3, residues 151-171): SQSEQGLLLG[Gly161Val]ASAATAATAA

ClinVar aggregate classification (germline): Uncertain significance. Review status: criteria provided, multiple submitters, no conflicts (2 of 4 stars). 4 submissions from 4 submitters: Uncertain significance (4). Last evaluated 2025-05-07.

Conditions:
Inborn genetic diseases. Identifiers: MedGen C0950123, MeSH D030342.
Congenital heart defects, dysmorphic facial features, and intellectual developmental disorder (CHDFIDD). Identifiers: Orphanet 646278, MedGen C4479246, MONDO:0044302, OMIM 617360.

gnomAD v4.1: 73 of 1,243,872 alleles (0.0059%); highest among the groups gnomAD compares: Admixed American, 0.0084%; no homozygotes.

Submissions (4):

Ambry Genetics
Classification: Uncertain significance for Inborn genetic diseases. Last evaluated: 2025-05-07. Review status: criteria provided, single submitter. Criteria: Ambry Variant Classification Scheme 2023. Collection method: clinical testing. Allele origin: germline.

Labcorp Genetics (formerly Invitae), Labcorp
Classification: Uncertain significance. Last evaluated: 2023-11-25. Review status: criteria provided, single submitter. Criteria: Invitae Variant Classification Sherloc (09022015). Collection method: clinical testing. Allele origin: germline.
Comment: This sequence change replaces glycine, which is neutral and non-polar, with valine, which is neutral and non-polar, at codon 161 of the CDK13 protein (p.Gly161Val). This variant is present in population databases (no rsID available, gnomAD 0.01%). This variant has not been reported in the literature in individuals affected with CDK13-related conditions. ClinVar contains an entry for this variant (Variation ID: 2171021). Advanced modeling of protein sequence and biophysical properties (such as structural, functional, and spatial information, amino acid conservation, physicochemical variation, residue mobility, and thermodynamic stability) performed at Invitae indicates that this missense variant is not expected to disrupt CDK13 protein function with a negative predictive value of 95%. In summary, the available evidence is currently insufficient to determine the role of this variant in disease. Therefore, it has been classified as a Variant of Uncertain Significance.

Neuberg Centre For Genomic Medicine, NCGM
Classification: Uncertain significance for Congenital heart defects, dysmorphic facial features, and intellectual developmental disorder. Last evaluated: 2023-06-22. Review status: criteria provided, single submitter. Criteria: ACMG Guidelines, 2015. Collection method: clinical testing. Allele origin: germline. Inheritance: Autosomal dominant inheritance. Affected: yes.
Comment: The missense c.482G>T(p.Gly161Val) variant in CDK13 gene has not been reported previously as a pathogenic variant nor as a benign variant, to our knowledge. The p.Gly161Val variant is absent in gnomAD Exomes. This variant has been reported to the ClinVar database as Uncertain significance. Computational evidence (Polyphen - Benign, SIFT - Damaging and MutationTaster -Disease causing) predicts conflicting evidence on protein structure and function for this variant. The reference amino acid at this position in CDK13 is predicted as conserved by GERP++ and PhyloP across 100 vertebrates. The amino acid Gly at position 161 is changed to a Val changing protein sequence and it might alter its composition and physico-chemical properties. For these reasons, this variant has been classified as Variant of Uncertain Significance (VUS).

Revvity Omics, Revvity
Classification: Uncertain significance for Congenital heart defects, dysmorphic facial features, and intellectual developmental disorder. Last evaluated: 2021-06-24. Review status: criteria provided, single submitter. Criteria: ACMG Guidelines, 2015. Collection method: clinical testing. Allele origin: germline.